The following is an entry in ClinVar:

ClinVar aggregate classification (germline): Conflicting classifications of pathogenicity. Review status: criteria provided, conflicting classifications (1 of 4 stars). 2 submissions from 2 submitters: Uncertain significance (1); Likely benign (1). Last evaluated 2022-12-08.

Conditions:
Inborn genetic diseases. Identifiers: MedGen C0950123, MeSH D030342.
Hereditary orotic aciduria, type 1. Also called: Orotic aciduria type 1; Oroticaciduria 1. Identifiers: MedGen C0268130.

Allele frequency attached by ClinVar (database versions not stated): ExAC 0.00015; TOPMed 0.00053; ESP Exome Variant Server 0.00077; 1000 Genomes Project 30x 0.00094; 1000 Genomes Project 0.00100.
gnomAD v4.1: 185 of 1,614,164 alleles (0.011%); highest among the groups gnomAD compares: African/African-American, 0.23%; no homozygotes.

Submissions (2):

Labcorp Genetics (formerly Invitae), Labcorp
Classification: Uncertain significance for Hereditary orotic aciduria, type 1. Last evaluated: 2022-12-08. Review status: criteria provided, single submitter. Criteria: Invitae Variant Classification Sherloc (09022015). Collection method: clinical testing. Allele origin: germline.
Comment: In summary, the available evidence is currently insufficient to determine the role of this variant in disease. Therefore, it has been classified as a Variant of Uncertain Significance. Advanced modeling of protein sequence and biophysical properties (such as structural, functional, and spatial information, amino acid conservation, physicochemical variation, residue mobility, and thermodynamic stability) performed at Invitae indicates that this missense variant is not expected to disrupt UMPS protein function. This variant has not been reported in the literature in individuals affected with UMPS-related conditions. This variant is present in population databases (rs138671830, gnomAD 0.2%). This sequence change replaces arginine, which is basic and polar, with glutamine, which is neutral and polar, at codon 442 of the UMPS protein (p.Arg442Gln).

Ambry Genetics
Classification: Likely benign for Inborn genetic diseases. Last evaluated: 2021-06-30. Review status: criteria provided, single submitter. Criteria: Ambry Variant Classification Scheme 2023. Collection method: clinical testing. Allele origin: germline.

NM_000373.4(UMPS):c.1325G>A (p.Arg442Gln)

Gene: UMPS (uridine monophosphate synthetase; plus strand). Cytogenetic location: 3q21.2.
Variant type: single nucleotide variant.
Coding change: c.1325G>A on transcript NM_000373.4 (MANE Select); coding-DNA position 1325, G replaced by A.
Protein change: p.Arg442Gln; replaces arginine 442 with glutamine.
Molecular consequence: missense variant. On other transcripts: non-coding transcript variant (2).
Genome position (GRCh38, 1-based): chr3:124,743,966, G>A. VCF-style: chr3-124743966-G-A. GRCh37 (hg19) VCF-style: chr3-124462813-G-A.
Other names: c.1325G>A (NM_000373.3); short protein forms R442Q.
Identifiers: ClinVar variation 2727525 (VCV002727525.4), dbSNP rs138671830, ClinGen allele CA2581877.